The following is an entry in ClinVar:

NM_005591.4(MRE11):c.232T>G (p.Leu78Val)

Gene: MRE11 (MRE11 double strand break repair nuclease; minus strand). Cytogenetic location: 11q21.
Variant type: single nucleotide variant.
Coding change: c.232T>G on transcript NM_005591.4 (MANE Select); coding-DNA position 232, T replaced by G.
Protein change: p.Leu78Val; replaces leucine 78 with valine.
Molecular consequence: missense variant.
Genome position (GRCh38, 1-based): chr11:94,486,006, A>C on the plus strand (T>G on the coding strand, the complement: MRE11 is on the minus strand). VCF-style: chr11-94486006-A-C. GRCh37 (hg19) VCF-style: chr11-94219172-A-C.
Other names: c.232T>G, p.Leu78Val (NM_001330347.2, NM_005590.4); short protein forms L78V.
Identifiers: ClinVar variation 3295826 (VCV003295826.1).

ClinVar aggregate classification (germline): Uncertain significance (1 of 4 stars; one submission).

Conditions:
Hereditary cancer-predisposing syndrome. Also called: Tumor predisposition; Hereditary Cancer Syndrome; Hereditary neoplastic syndrome; Neoplastic Syndromes, Hereditary. Identifiers: Orphanet 140162, MedGen C0027672, MeSH D009386, MONDO:0015356.

gnomAD v4.1: 2 of 1,613,894 alleles (0.00012%); highest among the groups gnomAD compares: African/African-American, 0.0013%; no homozygotes.

Submission:

Ambry Genetics
Classification: Uncertain significance for Hereditary cancer-predisposing syndrome. Last evaluated: 2024-05-24. Review status: criteria provided, single submitter. Criteria: Ambry Variant Classification Scheme 2023. Collection method: clinical testing. Allele origin: germline.
Comment: The p.L78V variant (also known as c.232T>G), located in coding exon 3 of the MRE11A gene, results from a T to G substitution at nucleotide position 232. The leucine at codon 78 is replaced by valine, an amino acid with highly similar properties. This amino acid position is conserved. In addition, this alteration is predicted to be tolerated by in silico analysis. Based on the available evidence, the clinical significance of this variant remains unclear.